The following is an entry in ClinVar:

ClinVar aggregate classification (germline): Pathogenic (1 of 4 stars; one submission).

Conditions:
Granulomatous disease, chronic, X-linked. Also called: CYTOCHROME b-NEGATIVE GRANULOMATOUS DISEASE, CHRONIC, X-LINKED; GRANULOMATOUS DISEASE, CHRONIC, X-LINKED, SOMATIC MOSAIC. Identifiers: Orphanet 379, MedGen C1844376, MONDO:0010600, OMIM 306400.

Submission:

Labcorp Genetics (formerly Invitae), Labcorp
Classification: Pathogenic for Granulomatous disease, chronic, X-linked. Last evaluated: 2020-10-21. Review status: criteria provided, single submitter. Criteria: Invitae Variant Classification Sherloc (09022015). Collection method: clinical testing. Allele origin: germline.
Comment: For these reasons, this variant has been classified as Pathogenic. Loss-of-function variants in CYBB are known to be pathogenic (PMID: 9585602, 20729109). This variant has not been reported in the literature in individuals with CYBB-related conditions. This variant is not present in population databases (ExAC no frequency). This sequence change creates a premature translational stop signal (p.Gln231Hisfs*9) in the CYBB gene. It is expected to result in an absent or disrupted protein product.

Literature cited by the submitters: PubMed 9585602; PubMed 20729109.

NM_000397.4(CYBB):c.693_694del (p.Gln231fs)

Gene: CYBB (cytochrome b-245 beta chain; plus strand). Cytogenetic location: Xp21.1.
Variant type: Deletion.
Coding change: c.693_694del on transcript NM_000397.4 (MANE Select); coding-DNA positions 693 to 694, 2 bases deleted (GA; older notation c.693_694delGA).
Protein change: p.Gln231fs; shifts the reading frame from glutamine 231.
Molecular consequence: frameshift variant.
Genome position (GRCh38, 1-based): chrX:37,798,973-37,798,974, GA deleted; deleting any 2 consecutive bases within chrX:37,798,972-37,798,974 gives the same sequence; the c. name uses the placement nearest the transcript's 3' end. VCF-style (leftmost placement, unchanged base first): chrX-37798971-CAG-C. GRCh37 (hg19) VCF-style: chrX-37658224-CAG-C.
Other names: short protein forms Q231fs.
Identifiers: ClinVar variation 942495 (VCV000942495.8), dbSNP rs1929376118, ClinGen allele CA1139667386.